The following is an entry in ClinVar:

ClinVar aggregate classification (germline): Benign. Review status: criteria provided, single submitter (1 of 4 stars). 2 submissions from 2 submitters: Benign (1). 1 of the submissions does not count toward it. Last evaluated 2025-12-26.

Conditions:
SYNE2-related disorder. Also called: SYNE2-related condition.
Emery-Dreifuss muscular dystrophy 5, autosomal dominant (EDMD5). Also called: EMERY-DREIFUSS MUSCULAR DYSTROPHY 5. Identifiers: Orphanet 261, MedGen C2751805, MONDO:0013072, OMIM 612999.

Allele frequency attached by ClinVar (database versions not stated): TOPMed 0.00127; ESP Exome Variant Server 0.00131; gnomAD 0.00137; 1000 Genomes Project 30x 0.00156; 1000 Genomes Project 0.00160.
gnomAD v4.1: 350 of 1,613,760 alleles (0.022%); highest among the groups gnomAD compares: African/African-American, 0.43%; no homozygotes.

Submissions (2):

Labcorp Genetics (formerly Invitae), Labcorp
Classification: Benign for Emery-Dreifuss muscular dystrophy 5, autosomal dominant. Last evaluated: 2025-12-26. Review status: criteria provided, single submitter. Criteria: Invitae Variant Classification Sherloc (09022015). Collection method: clinical testing. Allele origin: germline.

PreventionGenetics, part of Exact Sciences
Classification: Benign for SYNE2-related condition. Last evaluated: 2019-08-20. Review status: no assertion criteria provided. Collection method: clinical testing. Allele origin: germline. Not counted in ClinVar's aggregate classification.
Comment: This variant is classified as benign based on ACMG/AMP sequence variant interpretation guidelines (Richards et al. 2015 PMID: 25741868, with internal and published modifications).

NM_182914.3(SYNE2):c.16065C>A (p.Ile5355=)

Gene: SYNE2 (spectrin repeat containing nuclear envelope protein 2; plus strand). Cytogenetic location: 14q23.2.
Variant type: single nucleotide variant.
Coding change: c.16065C>A on transcript NM_182914.3 (MANE Select); coding-DNA position 16065, C replaced by A.
Protein change: p.Ile5355=; no amino-acid change (isoleucine 5355 retained).
Molecular consequence: synonymous variant.
Genome position (GRCh38, 1-based): chr14:64,159,413, C>A. VCF-style: chr14-64159413-C-A. GRCh37 (hg19) VCF-style: chr14-64626131-C-A.
Other names: c.16065C>A, p.Ile5355= (NM_015180.6).
Identifiers: ClinVar variation 705364 (VCV000705364.13), dbSNP rs36002764, ClinGen allele CA7223244.